The following is an entry in ClinVar:

ClinVar aggregate classification (germline): Uncertain significance (1 of 4 stars; one submission).

Conditions:
Fanconi anemia complementation group J. Also called: BRIP1-Related Fanconi Anemia. Identifiers: Orphanet 84, MedGen C1836860, MONDO:0012187, OMIM 609054.
Familial cancer of breast. Also called: BREAST CANCER, FAMILIAL; Hereditary breast cancer; hereditary breast carcinoma. Identifiers: Orphanet 227535, MedGen C0346153, MONDO:0016419, OMIM 114480. Disease mechanism: loss of function.

Submission:

Labcorp Genetics (formerly Invitae), Labcorp
Classification: Uncertain significance for Familial cancer of breast; Fanconi anemia complementation group J. Last evaluated: 2020-09-02. Review status: criteria provided, single submitter. Criteria: Invitae Variant Classification Sherloc (09022015). Collection method: clinical testing. Allele origin: germline.
Comment: In summary, the available evidence is currently insufficient to determine the role of this variant in disease. Therefore, it has been classified as a Variant of Uncertain Significance. Algorithms developed to predict the effect of missense changes on protein structure and function (SIFT, PolyPhen-2, Align-GVGD) all suggest that this variant is likely to be tolerated, but these predictions have not been confirmed by published functional studies and their clinical significance is uncertain. This variant has not been reported in the literature in individuals with BRIP1-related conditions. This variant is not present in population databases (ExAC no frequency). This sequence change replaces arginine with serine at codon 836 of the BRIP1 protein (p.Arg836Ser). The arginine residue is weakly conserved and there is a moderate physicochemical difference between arginine and serine.

NM_032043.3(BRIP1):c.2508A>C (p.Arg836Ser)

Gene: BRIP1 (BRCA1 interacting DNA helicase 1; minus strand). Cytogenetic location: 17q23.2.
Variant type: single nucleotide variant.
Coding change: c.2508A>C on transcript NM_032043.3 (MANE Select); coding-DNA position 2508, A replaced by C.
Protein change: p.Arg836Ser; replaces arginine 836 with serine.
Molecular consequence: missense variant.
Genome position (GRCh38, 1-based): chr17:61,693,497, T>G on the plus strand (A>C on the coding strand, the complement: BRIP1 is on the minus strand). VCF-style: chr17-61693497-T-G. GRCh37 (hg19) VCF-style: chr17-59770858-T-G.
Other names: short protein forms R836S.
Identifiers: ClinVar variation 1046716 (VCV001046716.9), dbSNP rs2061478740, ClinGen allele CA400482477.
Genomic context (GRCh38, chr17:61,693,497, plus strand): 5'-ATAGCGACTTGGGTTATTCCTAAAGCGATCATCCACTAGAATAAGAGCTCCCCAATCATT[T>G]CTGTGTCTAATACATCTAGAAAAAATAGGGAAAAAGTCAAATAATTATAACATCGGAAAT-3'
Protein context (NP_114432.2, residues 826-846): NQALGRCIRH[Arg836Ser]NDWGALILVD